The following is an entry in ClinVar:

ClinVar aggregate classification (germline): Uncertain significance (1 of 4 stars; one submission).

gnomAD v4.1: 6 of 1,613,900 alleles (0.00037%); highest among the groups gnomAD compares: East Asian, 0.0022%; no homozygotes.

Submission:

Labcorp Genetics (formerly Invitae), Labcorp
Classification: Uncertain significance. Last evaluated: 2025-03-03. Review status: criteria provided, single submitter. Criteria: Invitae Variant Classification Sherloc (09022015). Collection method: clinical testing. Allele origin: germline.
Comment: This sequence change replaces glutamic acid, which is acidic and polar, with lysine, which is basic and polar, at codon 336 of the TAOK2 protein (p.Glu336Lys). This variant is not present in population databases (gnomAD no frequency). This variant has not been reported in the literature in individuals affected with TAOK2-related conditions. An algorithm developed to predict the effect of missense changes on protein structure and function (PolyPhen-2) suggests that this variant is likely to be disruptive. In summary, the available evidence is currently insufficient to determine the role of this variant in disease. Therefore, it has been classified as a Variant of Uncertain Significance.

NM_016151.4(TAOK2):c.1006G>A (p.Glu336Lys)

Gene: TAOK2 (TAO kinase 2; plus strand). Cytogenetic location: 16p11.2.
Variant type: single nucleotide variant.
Coding change: c.1006G>A on transcript NM_016151.4 (MANE Select); coding-DNA position 1006, G replaced by A.
Protein change: p.Glu336Lys; replaces glutamic acid 336 with lysine.
Molecular consequence: missense variant.
Genome position (GRCh38, 1-based): chr16:29,983,078, G>A. VCF-style: chr16-29983078-G-A. GRCh37 (hg19) VCF-style: chr16-29994399-G-A.
Other names: c.1006G>A, p.Glu336Lys (NM_001252043.2, NM_004783.4); short protein forms E336K.
Identifiers: ClinVar variation 4708397 (VCV004708397.1).